The following is an entry in ClinVar:

NC_000002.12:g.(?_50921849)_(50925975_?)del

Gene: NRXN1 (neurexin 1; minus strand). Cytogenetic location: 2p16.3.
Variant type: Deletion.
Identifiers: ClinVar variation 539895 (VCV000539895.4).

ClinVar aggregate classification (germline): Pathogenic (1 of 4 stars; one submission).

Conditions:
Pitt-Hopkins-like syndrome 2 (PTHSL2). Identifiers: Orphanet 221150, Orphanet 600663, MedGen C3280479, MONDO:0013690, OMIM 614325.

Submission:

Labcorp Genetics (formerly Invitae), Labcorp
Classification: Pathogenic for Pitt-Hopkins-like syndrome 2. Last evaluated: 2022-09-19. Review status: criteria provided, single submitter. Criteria: Invitae Variant Classification Sherloc (09022015). Collection method: clinical testing. Allele origin: germline.
Comment: This variant is a gross deletion of the genomic region encompassing exon(s) 4-6 of the NRXN1 gene. This variant would be expected to be in-frame, preserving the integrity of the reading frame. A similar copy number variant has been observed in individual(s) with clinical features of NRXN1-related conditions (PMID: 23207424, 25661985, 27195815, 30031152; Invitae). The region of the NRXN1 gene that includes exon(s) 4 has been determined to be clinically significant (PMID: 21827697, 30031152; Invitae). Therefore, deletions that encompass that region are likely to be disease-causing. For these reasons, this variant has been classified as Pathogenic.

Literature cited by the submitters: PubMed 23207424; PubMed 25661985; PubMed 27195815; PubMed 30031152; PubMed 21827697.